The following is an entry in ClinVar:

NM_005340.7(HINT1):c.73A>C (p.Lys25Gln)

Gene: HINT1 (histidine triad nucleotide binding protein 1; minus strand). Cytogenetic location: 5q23.3.
Variant type: single nucleotide variant.
Coding change: c.73A>C on transcript NM_005340.7 (MANE Select); coding-DNA position 73, A replaced by C.
Protein change: p.Lys25Gln; replaces lysine 25 with glutamine.
Molecular consequence: missense variant. On other transcripts: non-coding transcript variant (5).
Genome position (GRCh38, 1-based): chr5:131,165,133, T>G on the plus strand (A>C on the coding strand, the complement: HINT1 is on the minus strand). VCF-style: chr5-131165133-T-G. GRCh37 (hg19) VCF-style: chr5-130500826-T-G.
Other names: c.73A>C (NM_005340.5); short protein forms K25Q.
Identifiers: ClinVar variation 1041964 (VCV001041964.7), dbSNP rs747865723, ClinGen allele CA3398661.

ClinVar aggregate classification (germline): Uncertain significance. Review status: criteria provided, multiple submitters, no conflicts (2 of 4 stars). 2 submissions from 2 submitters: Uncertain significance (2). Last evaluated 2025-01-20.

Conditions:
Autosomal recessive axonal neuropathy with neuromyotonia (NMAN). Also called: MYOKYMIA, MYOTONIA, AND MUSCLE WASTING; Neuromyotonia and axonal neuropathy, autosomal recessive; Gamstorp-Wohlfart syndrome. Identifiers: Orphanet 324442, MedGen C5700127, MONDO:0007646, OMIM 137200.
Inborn genetic diseases. Identifiers: MedGen C0950123, MeSH D030342.

Allele frequency attached by ClinVar (database versions not stated): gnomAD exomes below 0.00001 and 0.00001; ExAC 0.00001; gnomAD 0.00004; TOPMed 0.00004.
gnomAD v4.1: 9 of 1,613,162 alleles (0.00056%); highest among the groups gnomAD compares: African/African-American, 0.012%; no homozygotes.

Submissions (2):

Ambry Genetics
Classification: Uncertain significance for Inborn genetic diseases. Last evaluated: 2025-01-20. Review status: criteria provided, single submitter. Criteria: Ambry Variant Classification Scheme 2023. Collection method: clinical testing. Allele origin: germline.

Labcorp Genetics (formerly Invitae), Labcorp
Classification: Uncertain significance for Autosomal recessive axonal neuropathy with neuromyotonia. Last evaluated: 2021-09-01. Review status: criteria provided, single submitter. Criteria: Invitae Variant Classification Sherloc (09022015). Collection method: clinical testing. Allele origin: germline.
Comment: This sequence change replaces lysine with glutamine at codon 25 of the HINT1 protein (p.Lys25Gln). The lysine residue is highly conserved and there is a small physicochemical difference between lysine and glutamine. The frequency data for this variant in the population databases is considered unreliable, as metrics indicate poor data quality at this position in the ExAC database. This variant has not been reported in the literature in individuals affected with HINT1-related conditions. Algorithms developed to predict the effect of missense changes on protein structure and function are either unavailable or do not agree on the potential impact of this missense change (SIFT: "Tolerated"; PolyPhen-2: "Possibly Damaging"; Align-GVGD: "Class C0"). In summary, the available evidence is currently insufficient to determine the role of this variant in disease. Therefore, it has been classified as a Variant of Uncertain Significance.